The following is an entry in ClinVar:

NM_001122752.2(SERPINI1):c.493G>T (p.Asp165Tyr)

Gene: SERPINI1 (serpin family I member 1; plus strand). Cytogenetic location: 3q26.1.
Variant type: single nucleotide variant.
Coding change: c.493G>T on transcript NM_001122752.2 (MANE Select); coding-DNA position 493, G replaced by T.
Protein change: p.Asp165Tyr; replaces aspartic acid 165 with tyrosine.
Molecular consequence: missense variant.
Genome position (GRCh38, 1-based): chr3:167,792,601, G>T. VCF-style: chr3-167792601-G-T. GRCh37 (hg19) VCF-style: chr3-167510389-G-T.
Other names: c.493G>T, p.Asp165Tyr (NM_005025.5); short protein forms D165Y.
Identifiers: ClinVar variation 5006580 (VCV005006580.2).

ClinVar aggregate classification (germline): Uncertain significance (1 of 4 stars; one submission).

Conditions:
Familial encephalopathy with neuroserpin inclusion bodies. Also called: ENCEPHALOPATHY, FAMILIAL, WITH COLLINS BODIES. Identifiers: Orphanet 85110, MedGen C1858680, MONDO:0011412, OMIM 604218.

gnomAD v4.1: 1 of 1,613,380 alleles (0.000062%); highest among the groups gnomAD compares: Non-Finnish European, 0.000085%; no homozygotes.

Submission:

Juno Genomics, Hangzhou Juno Genomics, Inc
Classification: Uncertain significance for Familial encephalopathy with neuroserpin inclusion bodies. Review status: criteria provided, single submitter. Criteria: ACMG Guidelines, 2015. Collection method: clinical testing. Allele origin: germline.
Comment: Absent from controls (or at extremely low frequency if recessive) in Genome Aggregation Database.;Multiple lines of computational evidence support a deleterious effect on the gene or gene product.